The following is an entry in ClinVar:

NM_006486.3(FBLN1):c.154C>T (p.Leu52=)

Gene: FBLN1 (fibulin 1; plus strand). Cytogenetic location: 22q13.31.
Variant type: single nucleotide variant.
Coding change: c.154C>T on transcript NM_006486.3 (MANE Select); coding-DNA position 154, C replaced by T.
Protein change: p.Leu52=; no amino-acid change (leucine 52 retained).
Molecular consequence: synonymous variant.
Genome position (GRCh38, 1-based): chr22:45,518,756, C>T. VCF-style: chr22-45518756-C-T. GRCh37 (hg19) VCF-style: chr22-45914636-C-T.
Other names: c.154C>T, p.Leu52= (NM_001996.4, NM_006485.4, NM_006487.3).
Identifiers: ClinVar variation 4990072 (VCV004990072.1).

ClinVar aggregate classification (germline): Likely benign (1 of 4 stars; one submission).

Conditions:
FBLN1-related disorder. Also called: FBLN1-related condition.

gnomAD v4.1: 1 of 1,612,016 alleles (0.000062%); highest among the groups gnomAD compares: African/African-American, 0.0013%; no homozygotes.

Submission:

PreventionGenetics, part of Exact Sciences
Classification: Likely benign for FBLN1-related condition. Last evaluated: 2026-05-21. Review status: criteria provided, single submitter. Criteria: ACMG Guidelines, 2015. Collection method: clinical testing. Allele origin: germline.
Comment: This variant is classified as likely benign based on ACMG/AMP sequence variant interpretation guidelines (Richards et al. 2015 PMID: 25741868, with internal and published modifications).